The following is an entry in ClinVar:

NM_017909.4(RMND1):c.994A>G (p.Ile332Val)

Gene: RMND1 (required for meiotic nuclear division 1 homolog; minus strand). Cytogenetic location: 6q25.1.
Variant type: single nucleotide variant.
Coding change: c.994A>G on transcript NM_017909.4 (MANE Select); coding-DNA position 994, A replaced by G.
Protein change: p.Ile332Val; replaces isoleucine 332 with valine.
Molecular consequence: missense variant.
Genome position (GRCh38, 1-based): chr6:151,422,549, T>C on the plus strand (A>G on the coding strand, the complement: RMND1 is on the minus strand). VCF-style: chr6-151422549-T-C. GRCh37 (hg19) VCF-style: chr6-151743684-T-C.
Other names: c.484A>G, p.Ile162Val (NM_001271937.2); short protein forms I332V, I162V.
Identifiers: ClinVar variation 2904813 (VCV002904813.4), dbSNP rs757774380, ClinGen allele CA4050848.
Genomic context (GRCh38, chr6:151,422,549, plus strand): 5'-TTTTTACATATAAAAATCAATCCTTGAATAAGCATAAAATTGATATAATTACCTCAGGAA[T>C]TGACTGAATAGATTCAATAAATTTATCCAGTGATGCTTCCCAAATTGCCAGTTTTACTGG-3'
Protein context (NP_060379.2, residues 322-342): LDKFIESIQS[Ile332Val]PEALKAGKKV

ClinVar aggregate classification (germline): Uncertain significance. Review status: criteria provided, multiple submitters, no conflicts (2 of 4 stars). 2 submissions from 2 submitters: Uncertain significance (2). Last evaluated 2024-05-03.

Conditions:
Combined oxidative phosphorylation defect type 11. Also called: ENCEPHALONEUROMYOPATHY, INFANTILE, DUE TO MITOCHONDRIAL TRANSLATION DEFECT; Combined oxidative phosphorylation deficiency 11. Identifiers: Orphanet 324535, MedGen C5190991, MONDO:0013969, OMIM 614922.

Allele frequency attached by ClinVar (database versions not stated): gnomAD exomes below 0.00001; ExAC 0.00002.
gnomAD v4.1: 5 of 1,508,066 alleles (0.00033%); highest among the groups gnomAD compares: Non-Finnish European, 0.00045%; no homozygotes.

Submissions (2):

Fulgent Genetics
Classification: Uncertain significance for Combined oxidative phosphorylation defect type 11. Last evaluated: 2024-05-03. Review status: criteria provided, single submitter. Criteria: ACMG Guidelines, 2015. Collection method: clinical testing. Allele origin: germline.

Labcorp Genetics (formerly Invitae), Labcorp
Classification: Uncertain significance. Last evaluated: 2023-07-27. Review status: criteria provided, single submitter. Criteria: Invitae Variant Classification Sherloc (09022015). Collection method: clinical testing. Allele origin: germline.
Comment: In summary, the available evidence is currently insufficient to determine the role of this variant in disease. Therefore, it has been classified as a Variant of Uncertain Significance. Advanced modeling of protein sequence and biophysical properties (such as structural, functional, and spatial information, amino acid conservation, physicochemical variation, residue mobility, and thermodynamic stability) performed at Invitae indicates that this missense variant is not expected to disrupt RMND1 protein function. This variant has not been reported in the literature in individuals affected with RMND1-related conditions. This variant is present in population databases (rs757774380, gnomAD 0.001%). This sequence change replaces isoleucine, which is neutral and non-polar, with valine, which is neutral and non-polar, at codon 332 of the RMND1 protein (p.Ile332Val).